The following is an entry in ClinVar:

NM_000492.4(CFTR):c.1040G>T (p.Arg347Leu)

Gene: CFTR (CF transmembrane conductance regulator; plus strand). Cytogenetic location: 7q31.2.
Variant type: single nucleotide variant.
Coding change: c.1040G>T on transcript NM_000492.4 (MANE Select); coding-DNA position 1040, G replaced by T.
Protein change: p.Arg347Leu; replaces arginine 347 with leucine.
Molecular consequence: missense variant.
Genome position (GRCh38, 1-based): chr7:117,540,270, G>T. VCF-style: chr7-117540270-G-T. GRCh37 (hg19) VCF-style: chr7-117180324-G-T.
Other names: short protein forms R347L.
Identifiers: ClinVar variation 7171 (VCV000007171.18), dbSNP rs77932196, ClinGen allele CA325561.

ClinVar aggregate classification (germline): Conflicting classifications of pathogenicity. Review status: criteria provided, conflicting classifications (1 of 4 stars). 12 submissions from 11 submitters: Pathogenic (7); Likely pathogenic (3); Uncertain significance (1). 1 of the submissions does not count toward it. Last evaluated 2026-08-04.

Conditions:
Cystic fibrosis diagnostic test.
CFTR-related disorder (CFTR-RD). Also called: CFTR-related condition; CFTR-related disorders. Identifiers: MedGen C5924204, MONDO:7770004.
Cystic fibrosis (CF). Also called: MUCOVISCIDOSIS. Identifiers: Orphanet 586, MedGen C0010674, MONDO:0009061, OMIM 219700. Disease mechanism: loss of function.
Congenital bilateral aplasia of vas deferens from CFTR mutation (CBAVD). Identifiers: Orphanet 48, MedGen C0403814, MONDO:0010178, OMIM 277180. Disease mechanism: loss of function.
Hereditary pancreatitis (PCTT). Also called: PRSS1-Related Hereditary Pancreatitis; Hereditary chronic pancreatitis. Identifiers: Orphanet 676, MedGen C0238339, MONDO:0008185, OMIM 167800.
Bronchiectasis with or without elevated sweat chloride 1 (BESC1). Also called: Cystic Fibrosis-Like Syndrome. Identifiers: Orphanet 60033, MedGen C2749757, MONDO:0008887, OMIM 211400.

Submissions (12):

PreventionGenetics, part of Exact Sciences
Classification: Pathogenic for CFTR-related condition. Last evaluated: 2026-08-04. Review status: criteria provided, single submitter. Criteria: ACMG Guidelines, 2015. Collection method: clinical testing. Allele origin: germline.
Comment: The CFTR c.1040G>T variant is predicted to result in the amino acid substitution p.Arg347Leu. This variant has been reported in individuals with cystic fibrosis and congenital bilateral absence of the vas deferens (For example: Claustres et al. 2000. PubMed ID: 10923036; Bucher et al. 2016. PubMed ID: 26830335; Hu et al. 2017. PubMed ID: 29095814). In vitro experimental studies suggest this variant causes pH-dependent channel instability with flickering between two conductance states, rapid kinetics with shorter dwell times, and disruption of pore architecture by eliminating a salt bridge interaction with Asp-924 (Cotten and Welsh. 1999. PubMed ID: 10026154). Alternative missense changes at the same amino acid position (p.Arg347His, p.Arg347Pro) have been reported in individuals with cystic fibrosis (Sosnay et al. 2013. PubMed ID: 23974870). This variant has not been reported in a large population database (gnomAD), indicating this variant is rare. This variant is interpreted as pathogenic.

NHS Central & South Genomic Laboratory Hub
Classification: Pathogenic for Cystic fibrosis diagnostic test. Last evaluated: 2025-10-21. Review status: criteria provided, single submitter. Criteria: ACMG Guidelines, 2015. Collection method: clinical testing. Allele origin: germline. Affected: yes.

Labcorp Genetics (formerly Invitae), Labcorp
Classification: Pathogenic for Cystic fibrosis. Last evaluated: 2025-09-27. Review status: criteria provided, single submitter. Criteria: Invitae Variant Classification Sherloc (09022015). Collection method: clinical testing. Allele origin: germline.
Comment: This sequence change replaces arginine, which is basic and polar, with leucine, which is neutral and non-polar, at codon 347 of the CFTR protein (p.Arg347Leu). This variant is not present in population databases (gnomAD no frequency). This missense change has been observed in individual(s) with cystic fibrosis or congenital bilateral absence of the vas deferens (PMID: 10923036). In at least one individual the data is consistent with being in trans (on the opposite chromosome) from a pathogenic variant. ClinVar contains an entry for this variant (Variation ID: 7171). Invitae Evidence Modeling of protein sequence and biophysical properties (such as structural, functional, and spatial information, amino acid conservation, physicochemical variation, residue mobility, and thermodynamic stability) indicates that this missense variant is expected to disrupt CFTR protein function with a positive predictive value of 80%. This variant disrupts the p.Arg347 amino acid residue in CFTR. Other variant(s) that disrupt this residue have been determined to be pathogenic (PMID: 2344617, 12400067, 21679131, 22020151, 25583415). This suggests that this residue is clinically significant, and that variants that disrupt this residue are likely to be disease-causing. For these reasons, this variant has been classified as Pathogenic.

Natera, Inc.
Classification: Likely pathogenic for CFTR-related disorders. Last evaluated: 2025-05-05. Review status: criteria provided, single submitter. Criteria: Natera Variant Classification Schema (03/2026). Collection method: clinical testing. Allele origin: germline.
Comment: The c.1040G>T variant in CFTR is a missense variant predicted to cause substitution of arginine to leucine at amino acid 347. This variant is rare in the general population with a frequency below the threshold expected for the associated phenotype(s). This variant has been observed in one or more individuals affected with the associated recessive disease, as either homozygous or compound heterozygous with a second variant (PMID: 10923036, 26830335, 29095814). A different variant at the same position has been determined to be Pathogenic or Likely Pathogenic. Computational prediction algorithms indicate this variant is likely to affect gene or protein function. Given the available evidence, this variant is classified as Likely Pathogenic.

Fulgent Genetics
Classification: Pathogenic for Hereditary pancreatitis; Bronchiectasis with or without elevated sweat chloride 1; Cystic fibrosis; Congenital bilateral aplasia of vas deferens from CFTR mutation. Last evaluated: 2024-03-15. Review status: criteria provided, single submitter. Criteria: ACMG Guidelines, 2015. Collection method: clinical testing. Allele origin: germline.

Women's Health and Genetics/Laboratory Corporation of America, LabCorp
Classification: Pathogenic for Cystic fibrosis. Last evaluated: 2023-08-14. Review status: criteria provided, single submitter. Criteria: LabCorp Variant Classification Summary - May 2015. Collection method: clinical testing. Allele origin: germline.
Comment: Variant summary: CFTR c.1040G>T (p.Arg347Leu) results in a non-conservative amino acid change located in the ABC transporter type 1, transmembrane domain (IPR011527) of the encoded protein sequence. Five of five in-silico tools predict a damaging effect of the variant on protein function. The variant was absent in 251126 control chromosomes (gnomAD). c.1040G>T has been reported in the literature in individuals affected with Cystic Fibrosis (examples: Stratton_2012, Hu_2017, Clausters_2000). These data indicate that the variant is likely to be associated with disease. The following publications have been ascertained in the context of this evaluation (PMID: 29095814, 10923036, 22787562). Other variants affecting the same codon have been classified pathogenic in ClinVar and internally (CV ID 7182, 7110). Three submitters have cited clinical-significance assessments for this variant to ClinVar after 2014. All submitters classified the variant as pathogenic. Based on the evidence outlined above, the variant was classified as pathogenic.

Institute of Human Genetics, University of Leipzig Medical Center
Classification: Pathogenic for Cystic fibrosis. Last evaluated: 2022-09-05. Review status: criteria provided, single submitter. Criteria: ACMG Guidelines, 2015. Collection method: curation. Allele origin: unknown. Affected: yes. Observed: 1 variant allele.
Comment: The variant was classified in the context of a project re-classifying variants in the German Cystic Fibrosis Registry (Muko.e.V.). Criteria applied: PS3_SUP, PM3, PM2_SUP, PM5_STR, PP3, PP4

Baylor Genetics
Classification: Likely pathogenic for Bronchiectasis with or without elevated sweat chloride 1. Last evaluated: 2022-03-14. Review status: criteria provided, single submitter. Criteria: ACMG Guidelines, 2015. Collection method: clinical testing. Allele origin: unknown.

Blueprint Genetics
Classification: Uncertain significance. Last evaluated: 2021-04-15. Review status: criteria provided, single submitter. Criteria: ACMG Guidelines, 2015. Collection method: clinical testing. Allele origin: germline.

CFTR-France
Classification: Pathogenic for cystic fibrosis. Last evaluated: 2018-01-29. Review status: criteria provided, single submitter. Criteria: Claustres M et al. (Hum Mutat 2017). Collection method: curation. Allele origin: germline. Affected: yes.

Baylor Genetics
Classification: Likely pathogenic for Congenital bilateral aplasia of vas deferens from CFTR mutation; Cystic fibrosis. Review status: criteria provided, single submitter. Criteria: ACMG Guidelines, 2015. Collection method: clinical testing. Allele origin: germline.

OMIM
Classification: Pathogenic for CYSTIC FIBROSIS. Last evaluated: 2018-04-09. Review status: no assertion criteria provided. Collection method: literature only. Allele origin: germline. Not counted in ClinVar's aggregate classification.

Literature cited by the submitters: PubMed 10923036 (cited by 3 submitters); PubMed 2344617 (cited by Labcorp Genetics (formerly Invitae), Labcorp); PubMed 12400067 (cited by Labcorp Genetics (formerly Invitae), Labcorp); PubMed 21679131 (cited by Labcorp Genetics (formerly Invitae), Labcorp); PubMed 22020151 (cited by Labcorp Genetics (formerly Invitae), Labcorp); PubMed 25583415 (cited by Labcorp Genetics (formerly Invitae), Labcorp); PubMed 26830335 (cited by Natera, Inc.); PubMed 29095814 (cited by Natera, Inc. and Women's Health and Genetics/Laboratory Corporation of America, LabCorp); PubMed 22787562 (cited by Women's Health and Genetics/Laboratory Corporation of America, LabCorp); PubMed 15024729 (cited by OMIM).